The following is an entry in ClinVar:

NM_002755.4(MAP2K1):c.439-18T>C

Gene: MAP2K1 (mitogen-activated protein kinase kinase 1; plus strand). Cytogenetic location: 15q22.31.
Variant type: single nucleotide variant.
Coding change: c.439-18T>C on transcript NM_002755.4 (MANE Select); 18 bases into the intron before coding-DNA position 439, T replaced by C.
Molecular consequence: intron variant.
Genome position (GRCh38, 1-based): chr15:66,443,262, T>C. VCF-style: chr15-66443262-T-C. GRCh37 (hg19) VCF-style: chr15-66735600-T-C.
Identifiers: ClinVar variation 384908 (VCV000384908.2), dbSNP rs751155864, ClinGen allele CA7623935.

ClinVar aggregate classification (germline): Likely benign. Review status: criteria provided, multiple submitters, no conflicts (2 of 4 stars). 2 submissions from 2 submitters: Likely benign (2). Last evaluated 2025-07-02.

Conditions:
RASopathy. Also called: rasopathies; Noonan spectrum disorder. Identifiers: Orphanet 536391, MedGen C5555857, MONDO:0021060.

Allele frequency attached by ClinVar (database versions not stated): gnomAD exomes below 0.00001 and 0.00001; gnomAD 0.00001; TOPMed 0.00001; ExAC 0.00002.
gnomAD v4.1: 5 of 1,503,952 alleles (0.00033%); highest among the groups gnomAD compares: Admixed American, 0.0067%; no homozygotes.

Submissions (2):

Labcorp Genetics (formerly Invitae), Labcorp
Classification: Likely benign for RASopathy. Last evaluated: 2025-07-02. Review status: criteria provided, single submitter. Criteria: Invitae Variant Classification Sherloc (09022015). Collection method: clinical testing. Allele origin: germline.

GeneDx
Classification: Likely benign. Last evaluated: 2016-03-17. Review status: criteria provided, single submitter. Criteria: GeneDx Variant Classification (06012015). Collection method: clinical testing. Allele origin: germline. Affected: yes.
Comment: This variant is considered likely benign or benign based on one or more of the following criteria: it is a conservative change, it occurs at a poorly conserved position in the protein, it is predicted to be benign by multiple in silico algorithms, and/or has population frequency not consistent with disease.